The following is an entry in ClinVar:

ClinVar aggregate classification (germline): Likely benign (1 of 4 stars; one submission).

Conditions:
Breast-ovarian cancer, familial, susceptibility to, 1 (BROVCA1). Also called: OVARIAN CANCER, SUSCEPTIBILITY TO; BRCA1 Hereditary Breast and Ovarian Cancer. Identifiers: Orphanet 145, MedGen C2676676, MONDO:0011450, OMIM 604370. Disease mechanism: loss of function.

gnomAD v4.1: 1 of 1,614,156 alleles (0.000062%); highest among the groups gnomAD compares: Non-Finnish European, 0.000085%; no homozygotes.

Submission:

Cancer Bioinformatics and Tumour Evolution Laboratory, Monash University
Classification: Likely benign for Breast-ovarian cancer, familial, susceptibility to, 1. Last evaluated: 2026-05-01. Review status: criteria provided, single submitter. Criteria: ClinGen BRCA1 and BRCA2 Guidelines, 2024. Collection method: curation. Allele origin: germline. Inheritance: Autosomal dominant inheritance.
Comment: Missense variant outside of a functional domain with no splice impact. BRCA1 and BRCA2 VCEP guidelines recommend application of BP1_Strong (PMID: 39142283). PMID: 39281752 - A large scale study to determine the case-control LR of BRCA1 and BRCA2 variants. The data was consolidated in the ccLR browser. This variant was found in the browser with a LR of 0.156056605 which is in the benign moderate range (0.05-0.23) according to the BRCA1 and BRCA2 VCEP. Hence, BP5_Moderate is applied.

Literature cited by the submitters: PubMed 39281752.

NM_007294.4(BRCA1):c.3746C>T (p.Thr1249Ile)

Genes: BRCA1 (BRCA1 DNA repair associated; minus strand), LOC126862571 (BRD4-independent group 4 enhancer GRCh37_chr17:41243136-41244335; plus strand). Cytogenetic location: 17q21.31.
Variant type: single nucleotide variant.
Coding change: c.3746C>T on transcript NM_007294.4 (MANE Select); coding-DNA position 3746, C replaced by T.
Protein change: p.Thr1249Ile; replaces threonine 1249 with isoleucine.
Molecular consequence: missense variant. On other transcripts: intron variant (135).
Genome position (GRCh38, 1-based): chr17:43,091,785, G>A on the plus strand (C>T on the coding strand, the complement: BRCA1 is on the minus strand). VCF-style: chr17-43091785-G-A. GRCh37 (hg19) VCF-style: chr17-41243802-G-A.
Other names: c.3743C>T, p.Thr1248Ile (NM_001407638.1, NM_001407644.1, NM_001407645.1 and 22 more transcripts); c.3746C>T, p.Thr1249Ile (NM_001407639.1, NM_001407640.1, NM_001407641.1 and 30 more transcripts); c.3737C>T, p.Thr1246Ile (NM_001407646.1, NM_001407647.1); c.3623C>T, p.Thr1208Ile (NM_001407648.1, NM_001407937.1, NM_001407938.1 and 19 more transcripts); c.3533C>T, p.Thr1178Ile (NM_001407571.1, NM_001407853.1, NM_001407894.1 and 9 more transcripts); c.3605C>T, p.Thr1202Ile (NM_001407944.1, NM_001407945.1, NM_001407942.1 and 29 more transcripts); c.3413C>T, p.Thr1138Ile (NM_001407946.1, NM_001407947.1, NM_001407948.1 and 6 more transcripts); c.3410C>T, p.Thr1137Ile (NM_001407954.1, NM_001407955.1, NM_001407956.1 and 1 more transcripts); and 41 more; short protein forms T1081I, T1121I, T1122I, T1137I, T1138I, T1160I, T1161I, T1178I.
Identifiers: ClinVar variation 4856591 (VCV004856591.1).